The following is an entry in ClinVar:

ClinVar aggregate classification (germline): Uncertain significance (1 of 4 stars; one submission).

Conditions:
Immunodeficiency 132A. Also called: Herpes simplex encephalitis, susceptibility to, 3. Identifiers: Orphanet 1930, MedGen C3553868, MONDO:0013920, OMIM 614849.

Submission:

Labcorp Genetics (formerly Invitae), Labcorp
Classification: Uncertain significance for Immunodeficiency 132A. Last evaluated: 2022-03-01. Review status: criteria provided, single submitter. Criteria: Invitae Variant Classification Sherloc (09022015). Collection method: clinical testing. Allele origin: germline.
Comment: In summary, the available evidence is currently insufficient to determine the role of this variant in disease. Therefore, it has been classified as a Variant of Uncertain Significance. Algorithms developed to predict the effect of missense changes on protein structure and function are either unavailable or do not agree on the potential impact of this missense change (SIFT: "Deleterious"; PolyPhen-2: "Possibly Damaging"; Align-GVGD: "Class C0"). This variant has not been reported in the literature in individuals affected with TRAF3-related conditions. This variant is not present in population databases (gnomAD no frequency). This sequence change replaces glutamic acid, which is acidic and polar, with glutamine, which is neutral and polar, at codon 217 of the TRAF3 protein (p.Glu217Gln).

NM_145725.3(TRAF3):c.649G>C (p.Glu217Gln)

Genes: TRAF3 (TNF receptor associated factor 3; plus strand), LOC126862065 (BRD4-independent group 4 enhancer GRCh37_chr14:103352003-103353202; plus strand). Cytogenetic location: 14q32.32.
Variant type: single nucleotide variant.
Coding change: c.649G>C on transcript NM_145725.3 (MANE Select); coding-DNA position 649, G replaced by C.
Protein change: p.Glu217Gln; replaces glutamic acid 217 with glutamine.
Molecular consequence: missense variant. On other transcripts: intron variant (2).
Genome position (GRCh38, 1-based): chr14:102,886,267, G>C. VCF-style: chr14-102886267-G-C. GRCh37 (hg19) VCF-style: chr14-103352604-G-C.
Other names: c.649G>C, p.Glu217Gln (NM_001385142.1, NM_003300.4, NM_145726.3); c.571-3293G>C (NM_001385143.1); c.570+9742G>C (NM_001199427.2); short protein forms E217Q.
Identifiers: ClinVar variation 2105439 (VCV002105439.4), dbSNP rs767477821, ClinGen allele CA391071643.